The following is an entry in ClinVar:

NM_000152.5(GAA):c.236_246del (p.Pro79fs)

Gene: GAA (alpha glucosidase; plus strand). Cytogenetic location: 17q25.3.
Variant type: Deletion.
Coding change: c.236_246del on transcript NM_000152.5 (MANE Select); coding-DNA positions 236 to 246, 11 bases deleted (CCACACAGTGC).
Protein change: p.Pro79fs; shifts the reading frame from proline 79.
Molecular consequence: frameshift variant.
Genome position (GRCh38, 1-based): chr17:80,104,822-80,104,832, CCACACAGTGC deleted; deleting any 11 consecutive bases within chr17:80,104,816-80,104,832 gives the same sequence; the c. name uses the placement nearest the transcript's 3' end. VCF-style (leftmost placement, unchanged base first): chr17-80104815-GCAGTGCCCACA-G. GRCh37 (hg19) VCF-style: chr17-78078614-GCAGTGCCCACA-G.
Other names: c.236_246del (LRG_673t1); c.236_246del, p.Pro79fs (NM_001079803.3, NM_001079804.3); c.236_246delCCACACAGTGC (NM_000152.4); short protein forms P79fs.
Identifiers: ClinVar variation 371302 (VCV000371302.15), dbSNP rs1057517165, ClinGen allele CA16041880.

ClinVar aggregate classification (germline): Pathogenic. Review status: reviewed by expert panel (3 of 4 stars). 6 submissions from 6 submitters: Pathogenic (1). 5 of the submissions do not count toward it. Last evaluated 2020-06-16.

Conditions:
Glycogen storage disease, type II (IOPD). Also called: GLYCOGENOSIS, GENERALIZED, CARDIAC FORM; Glucosidase acid-1,4-alpha deficiency; Pompe Disease; POMPE DISEASE, INFANTILE-ONSET; GSD II; Glycogen storage disease type 2. Identifiers: Orphanet 365, MedGen C0017921, MONDO:0009290, OMIM 232300.

Submissions (6):

ClinGen Lysosomal Storage Disorder Variant Curation Expert Panel
Classification: Pathogenic for Glycogen storage disease, type II. Last evaluated: 2020-06-16. Review status: reviewed by expert panel. Criteria: ClinGen LSD ACMG Specifications v1. Collection method: curation. Allele origin: germline. Inheritance: Autosomal recessive inheritance.
Comment: This variant, c.236_246del (p.Pro79ArgfsTer13), has been reported in multiple patients with Pompe disease. For two of these patients, residual GAA activity is reported and meets the ClinGen LSD VCEP's specifications for PP4 (PMID 17056254, 30778879). Both of these patients are compound heterozygous for the variant and a unique pathogenic variant; one with c.377G>A (p.Trp126Ter), in trans (PMID 17056254), and the other with c.1655T>C (p.Leu552Pro), phase unknown (PMID 30778879). This data meets PM3. Additional cases, both homozygous and compound heterozygous, have been reported but were not included because the residual GAA activity was not provided, and therefore PP4 cannot be assessed (PMIDs, 19588081, 22194990, 22980766, 23825616, 25998610, 26913919, 29143201, 30022036, 32125626). There is a ClinVar entry for this variant (Variation ID: 371302, 1 star review status) with 1 submitter classifying the variant as pathogenic. In summary, this variant meets the criteria to be classified as pathogenic for Pompe disease. GAA-specific ACMG/AMP criteria applied, as specified by the ClinGen LSD VCEP: PVS1, PM2, PM3, PP4.

Genomenon, Inc
Classification: Pathogenic for Glycogen storage disease, type II. Last evaluated: 2026-07-01. Review status: criteria provided, single submitter. Criteria: Genomenon Sequence Variant Interpretation Standards - Updated. Collection method: curation. Allele origin: germline. Affected: yes. Not counted in ClinVar's aggregate classification.
Comment: GAA p.Pro79ArgfsTer13 (c.236_246del) is a frameshift variant that is predicted to introduce a premature termination codon and result in a truncated or absent protein product. This variant has been observed in at least one proband with a GAA-related disorder (PMID:39835171;38248631;36310651;34020684;32125626;30778879;27711114;28814660;30371346;29422078). Functional studies have been reported (PMID:34606154;34565280). It is absent or not present at a significant frequency in gnomAD. In conclusion, we classify GAA p.Pro79ArgfsTer13 (c.236_246del) as a pathogenic variant.

Natera, Inc.
Classification: Pathogenic for Glycogen storage disease type II. Last evaluated: 2025-01-24. Review status: criteria provided, single submitter. Criteria: Natera Variant Classification Schema (03/2026). Collection method: clinical testing. Allele origin: germline. Not counted in ClinVar's aggregate classification.
Comment: The c.236_246delCCACACAGTGC variant in GAA is a frameshift variant predicted to shift the reading frame beginning at codon 79 and leads to a stop codon 13 codons downstream. This variant is expected to result in nonsense mediated decay, truncation, or a dysfunctional protein product. This variant is rare in the general population with a frequency below the threshold expected for the associated phenotype(s). This variant has been observed in one or more individuals affected with the associated recessive disease, as either homozygous or compound heterozygous with a second variant (PMID: 26913919). Given the available evidence, this variant is classified as Pathogenic.

Labcorp Genetics (formerly Invitae), Labcorp
Classification: Pathogenic for Glycogen storage disease, type II. Last evaluated: 2024-01-22. Review status: criteria provided, single submitter. Criteria: Invitae Variant Classification Sherloc (09022015). Collection method: clinical testing. Allele origin: germline. Not counted in ClinVar's aggregate classification.
Comment: This sequence change creates a premature translational stop signal (p.Pro79Argfs*13) in the GAA gene. It is expected to result in an absent or disrupted protein product. Loss-of-function variants in GAA are known to be pathogenic (PMID: 18425781, 22252923). This variant is not present in population databases (gnomAD no frequency). This premature translational stop signal has been observed in individual(s) with Pompe disease (PMID: 17056254). ClinVar contains an entry for this variant (Variation ID: 371302). For these reasons, this variant has been classified as Pathogenic.

Baylor Genetics
Classification: Pathogenic for Glycogen storage disease, type II. Last evaluated: 2024-01-18. Review status: criteria provided, single submitter. Criteria: ACMG Guidelines, 2015. Collection method: clinical testing. Allele origin: unknown. Not counted in ClinVar's aggregate classification.

Counsyl
Classification: Pathogenic for Glycogen storage disease, type II. Last evaluated: 2016-08-23. Review status: no assertion criteria provided. Collection method: clinical testing. Allele origin: unknown. Not counted in ClinVar's aggregate classification.

Literature cited by the submitters: PubMed 30371346 (cited by ClinGen Lysosomal Storage Disorder Variant Curation Expert Panel and Genomenon, Inc); PubMed 17056254 (cited by 3 submitters); PubMed 25998610 (cited by ClinGen Lysosomal Storage Disorder Variant Curation Expert Panel); PubMed 29143201 (cited by ClinGen Lysosomal Storage Disorder Variant Curation Expert Panel); PubMed 30022036 (cited by ClinGen Lysosomal Storage Disorder Variant Curation Expert Panel); PubMed 22194990 (cited by ClinGen Lysosomal Storage Disorder Variant Curation Expert Panel); PubMed 26913919 (cited by ClinGen Lysosomal Storage Disorder Variant Curation Expert Panel and Natera, Inc.); PubMed 19588081 (cited by ClinGen Lysosomal Storage Disorder Variant Curation Expert Panel and Counsyl); PubMed 23825616 (cited by ClinGen Lysosomal Storage Disorder Variant Curation Expert Panel); PubMed 30778879 (cited by ClinGen Lysosomal Storage Disorder Variant Curation Expert Panel and Genomenon, Inc); PubMed 22980766 (cited by ClinGen Lysosomal Storage Disorder Variant Curation Expert Panel); PubMed 32125626 (cited by ClinGen Lysosomal Storage Disorder Variant Curation Expert Panel and Genomenon, Inc); PubMed 39835171 (cited by Genomenon, Inc); PubMed 38248631 (cited by Genomenon, Inc); PubMed 36310651 (cited by Genomenon, Inc); PubMed 34020684 (cited by Genomenon, Inc); PubMed 27711114 (cited by Genomenon, Inc); PubMed 28814660 (cited by Genomenon, Inc); PubMed 29422078 (cited by Genomenon, Inc); PubMed 34606154 (cited by Genomenon, Inc); PubMed 34565280 (cited by Genomenon, Inc); PubMed 18425781 (cited by Labcorp Genetics (formerly Invitae), Labcorp); PubMed 22252923 (cited by Labcorp Genetics (formerly Invitae), Labcorp).